The following is an entry in ClinVar:

ClinVar aggregate classification (germline): Likely pathogenic. Review status: criteria provided, multiple submitters, no conflicts (2 of 4 stars). 2 submissions from 2 submitters: Likely pathogenic (2). Last evaluated 2023-12-11.

Conditions:
Nephronophthisis 15 (NPHP15). Identifiers: Orphanet 3156, MedGen C3541853, MONDO:0013917, OMIM 614845.
CEP164-related disorder. Also called: CEP164-related condition.

Submissions (2):

Labcorp Genetics (formerly Invitae), Labcorp
Classification: Likely pathogenic for Nephronophthisis 15. Last evaluated: 2023-12-11. Review status: criteria provided, single submitter. Criteria: Invitae Variant Classification Sherloc (09022015). Collection method: clinical testing. Allele origin: germline.
Comment: This sequence change affects an acceptor splice site in intron 10 of the CEP164 gene. It is expected to disrupt RNA splicing. Variants that disrupt the donor or acceptor splice site typically lead to a loss of protein function (PMID: 16199547), and loss-of-function variants in CEP164 are known to be pathogenic (PMID: 22863007, 28125082, 32367404, 34132027, 34499853). This variant is not present in population databases (gnomAD no frequency). This variant has not been reported in the literature in individuals affected with CEP164-related conditions. ClinVar contains an entry for this variant (Variation ID: 2417112). Algorithms developed to predict the effect of sequence changes on RNA splicing suggest that this variant may disrupt the consensus splice site. In summary, the currently available evidence indicates that the variant is pathogenic, but additional data are needed to prove that conclusively. Therefore, this variant has been classified as Likely Pathogenic.

Blueprint Genetics
Classification: Likely pathogenic for CEP164-related disorders. Last evaluated: 2021-09-14. Review status: criteria provided, single submitter. Criteria: ACMG Guidelines, 2015. Collection method: clinical testing. Allele origin: germline. Affected: yes. Observed: 2 variant alleles.

Literature cited by the submitters: PubMed 16199547 (cited by Labcorp Genetics (formerly Invitae), Labcorp); PubMed 22863007 (cited by Labcorp Genetics (formerly Invitae), Labcorp); PubMed 28125082 (cited by Labcorp Genetics (formerly Invitae), Labcorp); PubMed 32367404 (cited by Labcorp Genetics (formerly Invitae), Labcorp); PubMed 34132027 (cited by Labcorp Genetics (formerly Invitae), Labcorp); PubMed 34499853 (cited by Labcorp Genetics (formerly Invitae), Labcorp).

NM_014956.5(CEP164):c.1234-2A>T

Gene: CEP164 (centrosomal protein 164; plus strand). Cytogenetic location: 11q23.3.
Variant type: single nucleotide variant.
Coding change: c.1234-2A>T on transcript NM_014956.5 (MANE Select); the canonical splice acceptor site of the intron before coding-DNA position 1234, A replaced by T.
Molecular consequence: splice acceptor variant.
Genome position (GRCh38, 1-based): chr11:117,375,706, A>T. VCF-style: chr11-117375706-A-T. GRCh37 (hg19) VCF-style: chr11-117246422-A-T.
Other names: c.1234-2A>T (NM_001271933.2).
Identifiers: ClinVar variation 2417112 (VCV002417112.8), dbSNP rs2541381382, ClinGen allele CA382739916.